The following is an entry in ClinVar:

NM_001128840.3(CACNA1D):c.5644C>T (p.Arg1882Ter)

Gene: CACNA1D (calcium voltage-gated channel subunit alpha1 D; plus strand). Cytogenetic location: 3p21.1.
Variant type: single nucleotide variant.
Coding change: c.5644C>T on transcript NM_001128840.3 (MANE Select); coding-DNA position 5644, C replaced by T.
Protein change: p.Arg1882Ter; replaces arginine 1882 with a stop codon.
Molecular consequence: nonsense.
Genome position (GRCh38, 1-based): chr3:53,805,041, C>T. VCF-style: chr3-53805041-C-T. GRCh37 (hg19) VCF-style: chr3-53839068-C-T.
Other names: c.5704C>T, p.Arg1902Ter (NM_000720.4); c.5572C>T, p.Arg1858Ter (NM_001128839.3); c.5704C>T (NM_000720.3); short protein forms R1882*, R1858*, R1902*.
Identifiers: ClinVar variation 3681226 (VCV003681226.4).

ClinVar aggregate classification (germline): Conflicting classifications of pathogenicity. Review status: criteria provided, conflicting classifications (1 of 4 stars). 3 submissions from 3 submitters: Likely pathogenic (1); Uncertain significance (2). Last evaluated 2025-09-24.

Conditions:
Aldosterone-producing adenoma with seizures and neurological abnormalities. Also called: Primary aldosteronism, seizures, and neurologic abnormalities. Identifiers: Orphanet 369929, MedGen C3809609, MONDO:0014200, OMIM 615474.
CACNA1D-related disorder.

Submissions (3):

Genesolutions, Medical Genetics Institutes, Ho Chi Minh City, Vietnam
Classification: Likely pathogenic for Aldosterone-producing adenoma with seizures and neurological abnormalities. Last evaluated: 2025-09-24. Review status: criteria provided, single submitter. Criteria: ACMG Guidelines, 2015. Collection method: clinical testing. Allele origin: germline. Affected: yes.

PreventionGenetics, part of Exact Sciences
Classification: Uncertain significance for CACNA1D-related condition. Last evaluated: 2024-12-09. Review status: criteria provided, single submitter. Criteria: ACMG Guidelines, 2015. Collection method: clinical testing. Allele origin: germline.
Comment: The CACNA1D c.5704C>T variant is predicted to result in premature protein termination (p.Arg1902*). To our knowledge, this variant has not been reported in the literature or in a large population database (gnomAD), indicating this variant is rare. The CACNA1D gene is predicted to be intolerant to loss-of-function variation; however, this is not an established mechanism of disease. At this time, the clinical significance of this variant is uncertain due to the absence of conclusive functional and genetic evidence.

Labcorp Genetics (formerly Invitae), Labcorp
Classification: Uncertain significance. Last evaluated: 2024-04-09. Review status: criteria provided, single submitter. Criteria: Invitae Variant Classification Sherloc (09022015). Collection method: clinical testing. Allele origin: germline.
Comment: This sequence change creates a premature translational stop signal (p.Arg1902*) in the CACNA1D gene. It is expected to result in an absent or disrupted protein product. However, the current clinical and genetic evidence is not sufficient to establish whether loss-of-function variants in CACNA1D cause disease. This variant is not present in population databases (gnomAD no frequency). This variant has not been reported in the literature in individuals affected with CACNA1D-related conditions. In summary, the available evidence is currently insufficient to determine the role of this variant in disease. Therefore, it has been classified as a Variant of Uncertain Significance.